The following is an entry in ClinVar:

NM_001080512.3(BICC1):c.2046A>T (p.Glu682Asp)

Gene: BICC1 (BicC family RNA binding protein 1; plus strand). Cytogenetic location: 10q21.1.
Variant type: single nucleotide variant.
Coding change: c.2046A>T on transcript NM_001080512.3 (MANE Select); coding-DNA position 2046, A replaced by T.
Protein change: p.Glu682Asp; replaces glutamic acid 682 with aspartic acid.
Molecular consequence: missense variant.
Genome position (GRCh38, 1-based): chr10:58,803,107, A>T. VCF-style: chr10-58803107-A-T. GRCh37 (hg19) VCF-style: chr10-60562867-A-T.
Other names: p.Glu682Asp; short protein forms E682D.
Identifiers: ClinVar variation 716212 (VCV000716212.15), dbSNP rs77500675, ClinGen allele CA5508692.

ClinVar aggregate classification (germline): Benign. Review status: criteria provided, multiple submitters, no conflicts (2 of 4 stars). 5 submissions from 5 submitters: Benign (4). 1 of the submissions does not count toward it. Last evaluated 2026-01-27.

Conditions:
BICC1-related disorder. Also called: BICC1-related condition.

Allele frequency attached by ClinVar (database versions not stated): gnomAD exomes 0.00208 and 0.00579; ExAC 0.00703; gnomAD 0.02228 and 0.02381; 1000 Genomes Project 0.02436; 1000 Genomes Project 30x 0.02436; TOPMed 0.02493; ESP Exome Variant Server 0.02553.
gnomAD v4.1: 6,600 of 1,608,552 alleles (0.41%); highest among the groups gnomAD compares: African/African-American, 7.6%; 244 homozygotes.

Submissions (5):

Labcorp Genetics (formerly Invitae), Labcorp
Classification: Benign. Last evaluated: 2026-01-27. Review status: criteria provided, single submitter. Criteria: Invitae Variant Classification Sherloc (09022015). Collection method: clinical testing. Allele origin: germline.

Mayo Clinic Laboratories, Mayo Clinic
Classification: Benign. Last evaluated: 2022-11-14. Review status: criteria provided, single submitter. Criteria: ACMG Guidelines, 2015. Collection method: clinical testing. Allele origin: germline. Observed: 10 variant alleles.

GeneDx
Classification: Benign. Last evaluated: 2020-01-05. Review status: criteria provided, single submitter. Criteria: GeneDx Variant Classification Process June 2021. Collection method: clinical testing. Allele origin: germline. Affected: yes.

Breakthrough Genomics
Classification: Benign. Review status: criteria provided, single submitter. Criteria: ACMG Guidelines, 2015. Collection method: not provided. Allele origin: germline. Inheritance: Autosomal dominant inheritance. Affected: yes.

PreventionGenetics, part of Exact Sciences
Classification: Benign for BICC1-related condition. Last evaluated: 2024-06-14. Review status: no assertion criteria provided. Collection method: clinical testing. Allele origin: germline. Not counted in ClinVar's aggregate classification.
Comment: This variant is classified as benign based on ACMG/AMP sequence variant interpretation guidelines (Richards et al. 2015 PMID: 25741868, with internal and published modifications).